The following is an entry in ClinVar:

ClinVar aggregate classification (germline): Uncertain significance. Review status: criteria provided, multiple submitters, no conflicts (2 of 4 stars). 6 submissions from 6 submitters: Uncertain significance (5). 1 of the submissions does not count toward it. Last evaluated 2026-06-11.

Conditions:
Cardiovascular phenotype. Identifiers: MedGen CN230736.
Emery-Dreifuss muscular dystrophy (EDMD). Also called: Scapuloperoneal syndrome, X-linked (formerly); Humeroperoneal neuromuscular disease, (formerly). Identifiers: Orphanet 261, MedGen C0410189, MONDO:0016830.
X-linked Emery-Dreifuss muscular dystrophy. Also called: Muscular dystrophy, tardive Emery-Dreifuss type, with contractures. Identifiers: Orphanet 261, Orphanet 98863, MedGen C0751337, MONDO:0010680.

Allele frequency attached by ClinVar (database versions not stated): gnomAD 0.00005; gnomAD exomes 0.00001; TOPMed 0.00001.
gnomAD v4.1: 9 of 1,211,187 alleles (0.00074%); highest among the groups gnomAD compares: Non-Finnish European, 0.00089%; no homozygotes.

Submissions (6):

Ambry Genetics
Classification: Uncertain significance for Cardiovascular phenotype. Last evaluated: 2026-06-11. Review status: criteria provided, single submitter. Criteria: Ambry Variant Classification Scheme 2023. Collection method: clinical testing. Allele origin: germline.
Comment: The c.215A>T (p.D72V) alteration is located in exon 3 (coding exon 3) of the EMD gene. This alteration results from a A to T substitution at nucleotide position 215, causing the aspartic acid (D) at amino acid position 72 to be replaced by a valine (V). Based on data from gnomAD, the T allele has an overall frequency of 0.001% (2/204964) total alleles studied. The highest observed frequency was 0.005% (1/18625) of European (Finnish) alleles. Based on insufficient or conflicting evidence, the clinical significance of this alteration remains unclear.

Labcorp Genetics (formerly Invitae), Labcorp
Classification: Uncertain significance for X-linked Emery-Dreifuss muscular dystrophy. Last evaluated: 2025-05-15. Review status: criteria provided, single submitter. Criteria: Invitae Variant Classification Sherloc (09022015). Collection method: clinical testing. Allele origin: germline.
Comment: This sequence change replaces aspartic acid, which is acidic and polar, with valine, which is neutral and non-polar, at codon 72 of the EMD protein (p.Asp72Val). This variant is present in population databases (rs794729021, gnomAD 0.005%). This missense change has been observed in individual(s) with limb-girdle muscular dystrophy (PMID: 12872622). ClinVar contains an entry for this variant (Variation ID: 201783). Invitae Evidence Modeling of protein sequence and biophysical properties (such as structural, functional, and spatial information, amino acid conservation, physicochemical variation, residue mobility, and thermodynamic stability) indicates that this missense variant is not expected to disrupt EMD protein function with a negative predictive value of 80%. In summary, the available evidence is currently insufficient to determine the role of this variant in disease. Therefore, it has been classified as a Variant of Uncertain Significance.

Women's Health and Genetics/Laboratory Corporation of America, LabCorp
Classification: Uncertain significance. Last evaluated: 2021-05-17. Review status: criteria provided, single submitter. Criteria: LabCorp Variant Classification Summary - May 2015. Collection method: clinical testing. Allele origin: germline.
Comment: Variant summary: EMD c.215A>T (p.Asp72Val) results in a non-conservative amino acid change in the encoded protein sequence. Five of five in-silico tools predict a damaging effect of the variant on protein function. The variant allele was found at a frequency of 5.5e-06 in 183417 control chromosomes (gnomAD). The available data on variant occurrences in the general population are insufficient to allow any conclusion about variant significance. c.215A>T has been reported in the literature in at least an individual affected with Emery-Dreifuss Muscular Dystrophy and was also cited by others and found in UMD database (example: Essawy_2019, Puckelwartz_2011). These reports however, do not provide unequivocal conclusions about association of the variant with Emery-Dreifuss Muscular Dystrophy. To our knowledge, no experimental evidence demonstrating an impact on protein function has been reported. Two ClinVar submitters (evaluation after 2014) cite the variant as uncertain significance. Based on the evidence outlined above, the variant was classified as uncertain significance.

Eurofins Ntd Llc (ga)
Classification: Uncertain significance. Last evaluated: 2016-12-06. Review status: criteria provided, single submitter. Criteria: EGL Classification Definitions 2015. Collection method: clinical testing. Allele origin: germline. Observed: 1 variant allele, 1 hemizygote.

GeneDx
Classification: Uncertain significance. Last evaluated: 2015-04-30. Review status: criteria provided, single submitter. Criteria: GeneDx Variant Classification (06012015). Collection method: clinical testing. Allele origin: germline. Affected: yes.
Comment: p.Asp72Val (GAT>GTT): c.215 A>T in exon 3 in the EMD gene (NM_000117.2). A variant of unknown significance has been identified in the EMD gene. The D72V variant has been reported in association with Emery -Driefuss muscular dystrophy in a gene specific database (BÂŽroud et al., 2000). It was not observed in approximately 6,500 individuals of European and African American ancestry in the NHLBI Exome Sequencing Project, indicating it is not a common benign variant in these populations. The D72V variant is a non-conservative amino acid substitution, which is likely to impact secondary protein structure as these residues differ in polarity, charge, size, and/or other properties. In addition, in silico analysis predicts this variant is probably damaging to the protein structure/function. This substitution occurs at a position that is conserved in mammals. Based on the currently available information, it is unclear whether this variant is a pathogenic mutation or a rare benign variant The variant is found in EMD panel(s).

Natera, Inc.
Classification: Uncertain significance for Emery-Dreifuss muscular dystrophy. Last evaluated: 2020-11-02. Review status: no assertion criteria provided. Collection method: clinical testing. Allele origin: germline. Not counted in ClinVar's aggregate classification.

Literature cited by the submitters: PubMed 12872622 (cited by Labcorp Genetics (formerly Invitae), Labcorp); PubMed 31185657 (cited by Women's Health and Genetics/Laboratory Corporation of America, LabCorp); PubMed 21496632 (cited by Women's Health and Genetics/Laboratory Corporation of America, LabCorp).

NM_000117.3(EMD):c.215A>T (p.Asp72Val)

Gene: EMD (emerin; plus strand). Cytogenetic location: Xq28.
Variant type: single nucleotide variant.
Coding change: c.215A>T on transcript NM_000117.3 (MANE Select); coding-DNA position 215, A replaced by T.
Protein change: p.Asp72Val; replaces aspartic acid 72 with valine.
Molecular consequence: missense variant.
Genome position (GRCh38, 1-based): chrX:154,379,969, A>T. VCF-style: chrX-154379969-A-T. GRCh37 (hg19) VCF-style: chrX-153608329-A-T.
Other names: p.D72V:GAT>GTT; short protein forms D72V.
Identifiers: ClinVar variation 201783 (VCV000201783.17), dbSNP rs794729021, ClinGen allele CA335177.